The following is an entry in ClinVar:

NM_001330260.2(SCN8A):c.4397A>G (p.Asn1466Ser)

Gene: SCN8A (sodium voltage-gated channel alpha subunit 8; plus strand). Cytogenetic location: 12q13.13.
Variant type: single nucleotide variant.
Coding change: c.4397A>G on transcript NM_001330260.2 (MANE Select); coding-DNA position 4397, A replaced by G.
Protein change: p.Asn1466Ser; replaces asparagine 1466 with serine.
Molecular consequence: missense variant.
Genome position (GRCh38, 1-based): chr12:51,789,396, A>G. VCF-style: chr12-51789396-A-G. GRCh37 (hg19) VCF-style: chr12-52183180-A-G.
Other names: c.4274A>G, p.Asn1425Ser (NM_001177984.3, NM_001369788.1); c.4397A>G, p.Asn1466Ser (NM_014191.4); short protein forms N1466S, N1425S.
Identifiers: ClinVar variation 565622 (VCV000565622.9), dbSNP rs587777723, ClinGen allele CA384908570.

ClinVar aggregate classification (germline): Pathogenic (1 of 4 stars; one submission).

Conditions:
Early-infantile DEE. Also called: Ohtahara syndrome; Early infantile epileptic encephalopathy; Early infantile epileptic encephalopathy with suppression bursts. Identifiers: Orphanet 1934, MedGen C0393706, MONDO:0800491.

Submission:

Labcorp Genetics (formerly Invitae), Labcorp
Classification: Pathogenic for Early-infantile DEE. Last evaluated: 2022-11-29. Review status: criteria provided, single submitter. Criteria: Invitae Variant Classification Sherloc (09022015). Collection method: clinical testing. Allele origin: germline.
Comment: This sequence change replaces asparagine, which is neutral and polar, with serine, which is neutral and polar, at codon 1466 of the SCN8A protein (p.Asn1466Ser). This variant is not present in population databases (gnomAD no frequency). This missense change has been observed in individual(s) with clinical features of SCN8A-related conditions (Invitae). In at least one individual the variant was observed to be de novo. ClinVar contains an entry for this variant (Variation ID: 565622). Advanced modeling of protein sequence and biophysical properties (such as structural, functional, and spatial information, amino acid conservation, physicochemical variation, residue mobility, and thermodynamic stability) performed at Invitae indicates that this missense variant is expected to disrupt SCN8A protein function. This variant disrupts the p.Asn1466 amino acid residue in SCN8A. Other variant(s) that disrupt this residue have been observed in individuals with SCN8A-related conditions (PMID: 24888894, 31054490), which suggests that this may be a clinically significant amino acid residue. For these reasons, this variant has been classified as Pathogenic.

Literature cited by the submitters: PubMed 24888894; PubMed 31054490.